The following is an entry in ClinVar:

NM_017780.4(CHD7):c.4186-3C>G

Gene: CHD7 (chromodomain helicase DNA binding protein 7; plus strand). Cytogenetic location: 8q12.2.
Variant type: single nucleotide variant.
Coding change: c.4186-3C>G on transcript NM_017780.4 (MANE Select); 3 bases into the intron before coding-DNA position 4186, C replaced by G.
Molecular consequence: intron variant.
Genome position (GRCh38, 1-based): chr8:60,837,665, C>G. VCF-style: chr8-60837665-C-G. GRCh37 (hg19) VCF-style: chr8-61750224-C-G.
Other names: c.1717-24564C>G (NM_001316690.1).
Identifiers: ClinVar variation 2058429 (VCV002058429.4), dbSNP rs2487910066, ClinGen allele CA2580078472.

ClinVar aggregate classification (germline): Uncertain significance (1 of 4 stars; one submission).

Conditions:
CHARGE syndrome (CHARGE). Also called: Hittner Hirsch Kreh syndrome; CHARGE ASSOCIATION--COLOBOMA, HEART ANOMALY, CHOANAL ATRESIA, RETARDATION, GENITAL AND EAR ANOMALIES; Coloboma, heart anomaly, choanal atresia, retardation, genital and ear anomalies; CHARGE association; Hall-Hittner syndrome. Identifiers: Orphanet 138, MedGen C0265354, MONDO:0008965.

Submission:

Labcorp Genetics (formerly Invitae), Labcorp
Classification: Uncertain significance for CHARGE syndrome. Last evaluated: 2021-12-24. Review status: criteria provided, single submitter. Criteria: Invitae Variant Classification Sherloc (09022015). Collection method: clinical testing. Allele origin: germline.
Comment: This variant has not been reported in the literature in individuals affected with CHD7-related conditions. This sequence change falls in intron 17 of the CHD7 gene. It does not directly change the encoded amino acid sequence of the CHD7 protein. It affects a nucleotide within the consensus splice site. This variant is not present in population databases (gnomAD no frequency). Variants that disrupt the consensus splice site are a relatively common cause of aberrant splicing (PMID: 17576681, 9536098). Algorithms developed to predict the effect of sequence changes on RNA splicing suggest that this variant may disrupt the consensus splice site. In summary, the available evidence is currently insufficient to determine the role of this variant in disease. Therefore, it has been classified as a Variant of Uncertain Significance.

Literature cited by the submitters: PubMed 17576681; PubMed 9536098.